The following is an entry in ClinVar:

NM_001312673.2(PCYT1A):c.620C>T (p.Thr207Ile)

Gene: PCYT1A (phosphate cytidylyltransferase 1A, choline; minus strand). Cytogenetic location: 3q29.
Variant type: single nucleotide variant.
Coding change: c.620C>T on transcript NM_001312673.2 (MANE Select); coding-DNA position 620, C replaced by T.
Protein change: p.Thr207Ile; replaces threonine 207 with isoleucine.
Molecular consequence: missense variant.
Genome position (GRCh38, 1-based): chr3:196,242,036, G>A on the plus strand (C>T on the coding strand, the complement: PCYT1A is on the minus strand). VCF-style: chr3-196242036-G-A. GRCh37 (hg19) VCF-style: chr3-195968907-G-A.
Other names: c.620C>T, p.Thr207Ile (NM_005017.4); short protein forms T207I.
Identifiers: ClinVar variation 3682616 (VCV003682616.2).

ClinVar aggregate classification (germline): Uncertain significance (1 of 4 stars; one submission).

gnomAD v4.1: 2 of 1,614,106 alleles (0.00012%); highest among the groups gnomAD compares: Non-Finnish European, 0.00017%; no homozygotes.

Submission:

Labcorp Genetics (formerly Invitae), Labcorp
Classification: Uncertain significance. Last evaluated: 2024-04-02. Review status: criteria provided, single submitter. Criteria: Invitae Variant Classification Sherloc (09022015). Collection method: clinical testing. Allele origin: germline.
Comment: This sequence change replaces threonine, which is neutral and polar, with isoleucine, which is neutral and non-polar, at codon 207 of the PCYT1A protein (p.Thr207Ile). This variant is not present in population databases (gnomAD no frequency). This variant has not been reported in the literature in individuals affected with PCYT1A-related conditions. Advanced modeling of protein sequence and biophysical properties (such as structural, functional, and spatial information, amino acid conservation, physicochemical variation, residue mobility, and thermodynamic stability) has been performed at Invitae for this missense variant, however the output from this modeling did not meet the statistical confidence thresholds required to predict the impact of this variant on PCYT1A protein function. In summary, the available evidence is currently insufficient to determine the role of this variant in disease. Therefore, it has been classified as a Variant of Uncertain Significance.